The following is an entry in ClinVar:

NM_001136035.4(TRMT1):c.1716C>T (p.Ala572=)

Gene: TRMT1 (tRNA methyltransferase 1; minus strand). Cytogenetic location: 19p13.13.
Variant type: single nucleotide variant.
Coding change: c.1716C>T on transcript NM_001136035.4 (MANE Select); coding-DNA position 1716, C replaced by T.
Protein change: p.Ala572=; no amino-acid change (alanine 572 retained).
Molecular consequence: synonymous variant.
Genome position (GRCh38, 1-based): chr19:13,105,384, G>A on the plus strand (C>T on the coding strand, the complement: TRMT1 is on the minus strand). VCF-style: chr19-13105384-G-A. GRCh37 (hg19) VCF-style: chr19-13216198-G-A.
Other names: c.1629C>T, p.Ala543= (NM_001142554.3, NM_001351760.2); c.1608C>T, p.Ala536= (NM_001351761.2); c.933C>T, p.Ala311= (NM_001351762.2); c.1716C>T, p.Ala572= (NM_017722.5).
Identifiers: ClinVar variation 3771703 (VCV003771703.13).

ClinVar aggregate classification (germline): Likely benign (1 of 4 stars; one submission).

gnomAD v4.1: 58 of 1,613,668 alleles (0.0036%); highest among the groups gnomAD compares: Admixed American, 0.06%; no homozygotes.

Submission:

CeGaT Center for Human Genetics Tuebingen
Classification: Likely benign. Last evaluated: 2026-08-01. Review status: criteria provided, single submitter. Criteria: CeGaT Center For Human Genetics Tuebingen Variant Classification Criteria Version 2. Collection method: clinical testing. Allele origin: germline. Affected: yes. Observed: 2 variant alleles.
Comment: TRMT1: BP4, BP7